The following is an entry in ClinVar:

ClinVar aggregate classification (germline): Benign/Likely benign. Review status: criteria provided, multiple submitters, no conflicts (2 of 4 stars). 5 submissions from 5 submitters: Benign (2); Likely benign (2). 1 of the submissions does not count toward it. Last evaluated 2024-10-14.

Conditions:
LHX4-related disorder. Also called: LHX4-related condition.

Allele frequency attached by ClinVar (database versions not stated): ExAC 0.00015; 1000 Genomes Project 30x 0.00016; 1000 Genomes Project 0.00020; gnomAD exomes 0.00020; ESP Exome Variant Server 0.00031; TOPMed 0.00032; gnomAD 0.00041.
gnomAD v4.1: 326 of 1,614,140 alleles (0.02%); highest among the groups gnomAD compares: Admixed American, 0.1%; no homozygotes.

Submissions (5):

Blueprint Genetics
Classification: Likely benign. Last evaluated: 2024-10-14. Review status: criteria provided, single submitter. Criteria: ACMG Guidelines, 2015. Collection method: clinical testing. Allele origin: germline.

Women's Health and Genetics/Laboratory Corporation of America, LabCorp
Classification: Likely benign. Last evaluated: 2024-09-09. Review status: criteria provided, single submitter. Criteria: LabCorp Variant Classification Summary - May 2015. Collection method: clinical testing. Allele origin: germline.

Labcorp Genetics (formerly Invitae), Labcorp
Classification: Benign. Last evaluated: 2022-10-07. Review status: criteria provided, single submitter. Criteria: Invitae Variant Classification Sherloc (09022015). Collection method: clinical testing. Allele origin: germline.

Breakthrough Genomics
Classification: Benign. Review status: criteria provided, single submitter. Criteria: ACMG Guidelines, 2015. Collection method: not provided. Allele origin: germline. Inheritance: Autosomal dominant inheritance. Affected: yes.

PreventionGenetics, part of Exact Sciences
Classification: Likely benign for LHX4-related condition. Last evaluated: 2020-02-04. Review status: no assertion criteria provided. Collection method: clinical testing. Allele origin: germline. Not counted in ClinVar's aggregate classification.
Comment: This variant is classified as likely benign based on ACMG/AMP sequence variant interpretation guidelines (Richards et al. 2015 PMID: 25741868, with internal and published modifications).

NM_033343.4(LHX4):c.879C>T (p.Asp293=)

Genes: ACBD6 (acyl-CoA binding domain containing 6; minus strand), LHX4 (LIM homeobox 4; plus strand), LHX4-AS1 (LHX4 antisense RNA 1; minus strand). Cytogenetic location: 1q25.2.
Variant type: single nucleotide variant.
Coding change: c.879C>T on transcript NM_033343.4 (MANE Select); coding-DNA position 879, C replaced by T.
Protein change: p.Asp293=; no amino-acid change (aspartic acid 293 retained).
Molecular consequence: synonymous variant.
Genome position (GRCh38, 1-based): chr1:180,274,285, C>T. VCF-style: chr1-180274285-C-T. GRCh37 (hg19) VCF-style: chr1-180243420-C-T.
Other names: c.879C>T (NM_033343.3).
Identifiers: ClinVar variation 1601148 (VCV001601148.13), dbSNP rs375441662, ClinGen allele CA1272048.
Genomic context (GRCh38, chr1:180,274,285, plus strand): 5'-TTATGGCAACGTGGGGGACGTTACAGGCGGACAGTTAATGAATGGGAGCTTCTCCATGGA[C>T]GGGACAGGACAATCCTATCAGGACTTGAGGGATGGGAGCCCCTATGGAATCCCCCAGTCT-3'
Protein context (NP_203129.1, residues 283-303): GQLMNGSFSM[Asp293=]GTGQSYQDLR